The following is an entry in ClinVar:

ClinVar aggregate classification (germline): Conflicting classifications of pathogenicity. Review status: criteria provided, conflicting classifications (1 of 4 stars). 11 submissions from 11 submitters: Uncertain significance (7); Uncertain risk allele (1); Likely benign (3). Last evaluated 2026-01-28.

Conditions:
BSCL2-related disorder. Also called: BSCL2-related condition; BSCL2-Related Disorders.
Monogenic diabetes. Identifiers: Orphanet 183625, MedGen C3888631, MONDO:0015967.
Inborn genetic diseases. Identifiers: MedGen C0950123, MeSH D030342.
Charcot-Marie-Tooth disease type 2. Also called: Charcot-Marie-Tooth type 2. Identifiers: Orphanet 64746, MedGen C0270914, MONDO:0018993.
Hereditary spastic paraplegia. Also called: Familial spastic paraparesis. Identifiers: Orphanet 685, MedGen C0037773, MONDO:0019064. Disease mechanism: loss of function.
Congenital generalized lipodystrophy type 2 (CGL2). Also called: Berardinelli-Seip Congenital Lipodystrophy Type 2; SEIP SYNDROME; BERARDINELLI SYNDROME; BRUNZELL SYNDROME, BSCL2-RELATED. Identifiers: Orphanet 528, Orphanet 696289, MedGen C1720863, MONDO:0010020, OMIM 269700.

Allele frequency attached by ClinVar (database versions not stated): gnomAD exomes 0.00028 and 0.00032; TOPMed 0.00030; ExAC 0.00033; ESP Exome Variant Server 0.00015; gnomAD 0.00016 and 0.00017.
gnomAD v4.1: 437 of 1,613,872 alleles (0.027%); highest among the groups gnomAD compares: Middle Eastern, 0.1%; 1 homozygote.

Submissions (11):

Labcorp Genetics (formerly Invitae), Labcorp
Classification: Likely benign for Charcot-Marie-Tooth disease type 2. Last evaluated: 2026-01-28. Review status: criteria provided, single submitter. Criteria: Invitae Variant Classification Sherloc (09022015). Collection method: clinical testing. Allele origin: germline.

PreventionGenetics, part of Exact Sciences
Classification: Likely benign for BSCL2-related condition. Last evaluated: 2026-01-22. Review status: criteria provided, single submitter. Criteria: ACMG Guidelines, 2015. Collection method: clinical testing. Allele origin: germline.
Comment: This variant is classified as likely benign based on ACMG/AMP sequence variant interpretation guidelines (Richards et al. 2015 PMID: 25741868, with internal and published modifications).

Mayo Clinic Laboratories, Mayo Clinic
Classification: Uncertain significance. Last evaluated: 2024-03-22. Review status: criteria provided, single submitter. Criteria: ACMG Guidelines, 2015. Collection method: clinical testing. Allele origin: germline. Observed: 2 variant alleles.

Ambry Genetics
Classification: Likely benign for Inborn genetic diseases. Last evaluated: 2022-05-10. Review status: criteria provided, single submitter. Criteria: Ambry Variant Classification Scheme 2023. Collection method: clinical testing. Allele origin: germline.

Genome Diagnostics Laboratory, The Hospital for Sick Children
Classification: Uncertain significance for Hereditary spastic paraplegia. Last evaluated: 2021-09-01. Review status: criteria provided, single submitter. Criteria: ACMG Guidelines, 2015. Collection method: clinical testing. Allele origin: germline. Affected: yes.

Athena Diagnostics
Classification: Uncertain significance. Last evaluated: 2020-03-11. Review status: criteria provided, single submitter. Criteria: Athena Diagnostics Criteria. Collection method: clinical testing. Allele origin: unknown.

Revvity Omics, Revvity
Classification: Uncertain significance. Last evaluated: 2019-06-04. Review status: criteria provided, single submitter. Criteria: ACMG Guidelines, 2015. Collection method: clinical testing. Allele origin: germline.

GeneDx
Classification: Uncertain significance. Last evaluated: 2018-05-11. Review status: criteria provided, single submitter. Criteria: GeneDx Variant Classification (06012015). Collection method: clinical testing. Allele origin: germline. Affected: yes.
Comment: A variant of uncertain significance has been identified in the BSCL2 gene. The R392H variant has not been published as a pathogenic variant, nor has it been reported as a benign variant to our knowledge. This variant is observed in 32/30780 (0.1%) alleles from individuals of South Asian background in large population cohorts (Lek et al., 2016). The R392H variant is a conservative amino acid substitution, which is not likely to impact secondary protein structure as these residues share similar properties. However, in-silico analyses, including protein predictors and evolutionary conservation, support a deleterious effect. Therefore, based on the currently available information, it is unclear whether this variant is a pathogenic variant or a rare benign variant.

Personalized Diabetes Medicine Program, University of Maryland School of Medicine
Classification: Uncertain significance for Monogenic diabetes. Last evaluated: 2015-12-04. Review status: criteria provided, single submitter. Criteria: ACMG Guidelines, 2015. Collection method: research. Allele origin: unknown. Observed: 1 variant allele, 1 heterozygote.
Comment: ACMG Criteria: PP3

Eurofins Ntd Llc (ga)
Classification: Uncertain significance. Last evaluated: 2014-11-18. Review status: criteria provided, single submitter. Criteria: EGL Classification Definitions 2015. Collection method: clinical testing. Allele origin: germline. Observed: 2 variant alleles, 2 heterozygotes.

Clinical Genomics, Uppaluri K&H Personalized Medicine Clinic
Classification: Uncertain risk allele for Congenital generalized lipodystrophy type 2. Review status: criteria provided, single submitter. Criteria: K And H Uppaluri Personalized Medicine Clinic Variant Classification And Assertion Criteria Updated V 2. Collection method: research. Allele origin: unknown. Inheritance: Autosomal recessive inheritance.
Comment: Potent mutations in BSCL2 gene are associated with Congenital generalized lipodystrophy, type 2, which can present with insulin resistance, fatty liver and diabetes.However, the role of this particular variant rs149466797 of Congenital Generalized Lipodystrophy type 2 remains uncertain

Literature cited by the submitters: PubMed 35351089 (cited by Clinical Genomics, Uppaluri K&H Personalized Medicine Clinic); PubMed 18690553 (cited by Clinical Genomics, Uppaluri K&H Personalized Medicine Clinic); PubMed 31824185 (cited by Clinical Genomics, Uppaluri K&H Personalized Medicine Clinic).

NM_001122955.4(BSCL2):c.1367G>A (p.Arg456His)

Genes: BSCL2 (BSCL2 lipid droplet biogenesis associated, seipin; minus strand), HNRNPUL2-BSCL2 (HNRNPUL2-BSCL2 readthrough (NMD candidate); minus strand). Cytogenetic location: 11q12.3.
Variant type: single nucleotide variant.
Coding change: c.1367G>A on transcript NM_001122955.4 (MANE Select); coding-DNA position 1367, G replaced by A.
Protein change: p.Arg456His; replaces arginine 456 with histidine.
Molecular consequence: missense variant. On other transcripts: non-coding transcript variant (1), 3 prime UTR variant (1).
Genome position (GRCh38, 1-based): chr11:62,690,389, C>T on the plus strand (G>A on the coding strand, the complement: BSCL2 is on the minus strand). VCF-style: chr11-62690389-C-T. GRCh37 (hg19) VCF-style: chr11-62457861-C-T.
Other names: p.Arg392His; c.*169G>A (NM_001130702.2); c.1373G>A, p.Arg458His (NM_001386027.1); c.1367G>A, p.Arg456His (NM_001386028.1); c.1175G>A, p.Arg392His (NM_032667.6); short protein forms R456H, R392H, R458H.
Identifiers: ClinVar variation 193938 (VCV000193938.29), dbSNP rs149466797, ClinGen allele CA239675.